The following is an entry in ClinVar:

NM_022124.6(CDH23):c.2059+4C>G

Gene: CDH23 (cadherin related 23; plus strand). Cytogenetic location: 10q22.1.
Variant type: single nucleotide variant.
Coding change: c.2059+4C>G on transcript NM_022124.6 (MANE Select); 4 bases into the intron after coding-DNA position 2059, C replaced by G.
Molecular consequence: intron variant.
Genome position (GRCh38, 1-based): chr10:71,687,723, C>G. VCF-style: chr10-71687723-C-G. GRCh37 (hg19) VCF-style: chr10-73447480-C-G.
Other names: c.2059+4C>G (NM_001171930.2, NM_001171931.2).
Identifiers: ClinVar variation 1370895 (VCV001370895.3), dbSNP rs751678635, ClinGen allele CA5544060.

ClinVar aggregate classification (germline): Uncertain significance (1 of 4 stars; one submission).

Allele frequency attached by ClinVar (database versions not stated): gnomAD 0.00001; gnomAD exomes 0.00009; ExAC 0.00010.
gnomAD v4.1: 49 of 1,613,330 alleles (0.003%); highest among the groups gnomAD compares: South Asian, 0.054%; no homozygotes.

Submission:

Labcorp Genetics (formerly Invitae), Labcorp
Classification: Uncertain significance. Last evaluated: 2021-10-27. Review status: criteria provided, single submitter. Criteria: Invitae Variant Classification Sherloc (09022015). Collection method: clinical testing. Allele origin: germline.
Comment: This sequence change falls in intron 19 of the CDH23 gene. It does not directly change the encoded amino acid sequence of the CDH23 protein. It affects a nucleotide within the consensus splice site. This variant is present in population databases (rs751678635, gnomAD 0.07%). This variant has not been reported in the literature in individuals affected with CDH23-related conditions. Variants that disrupt the consensus splice site are a relatively common cause of aberrant splicing (PMID: 17576681, 9536098). Algorithms developed to predict the effect of sequence changes on RNA splicing suggest that this variant may disrupt the consensus splice site. In summary, the available evidence is currently insufficient to determine the role of this variant in disease. Therefore, it has been classified as a Variant of Uncertain Significance.

Literature cited by the submitters: PubMed 17576681; PubMed 9536098.